The following is an entry in ClinVar:

ClinVar aggregate classification (germline): Uncertain significance (1 of 4 stars; one submission).

gnomAD v4.1: 4 of 1,208,204 alleles (0.00033%); highest among the groups gnomAD compares: East Asian, 0.0089%; no homozygotes.

Submission:

Ambry Genetics
Classification: Uncertain significance. Last evaluated: 2026-08-23. Review status: criteria provided, single submitter. Criteria: Ambry Variant Classification Scheme 2023. Collection method: clinical testing. Allele origin: germline.
Comment: The c.1213G>A (p.V405I) alteration is located in exon 12 (coding exon 12) of the DOCK11 gene. This alteration results from a G to A substitution at nucleotide position 1213, causing the valine (V) at amino acid position 405 to be replaced by an isoleucine (I). Based on data from gnomAD, the A allele has an overall frequency of 0.001% (1/181603) total alleles studied. The highest observed frequency was 0.007% (1/13730) of East Asian alleles. Based on insufficient or conflicting evidence, the clinical significance of this alteration remains unclear.

NM_144658.4(DOCK11):c.1213G>A (p.Val405Ile)

Gene: DOCK11 (dedicator of cytokinesis 11; plus strand). Cytogenetic location: Xq24.
Variant type: single nucleotide variant.
Coding change: c.1213G>A on transcript NM_144658.4 (MANE Select); coding-DNA position 1213, G replaced by A.
Protein change: p.Val405Ile; replaces valine 405 with isoleucine.
Molecular consequence: missense variant.
Genome position (GRCh38, 1-based): chrX:118,573,842, G>A. VCF-style: chrX-118573842-G-A. GRCh37 (hg19) VCF-style: chrX-117707805-G-A.
Other names: short protein forms V405I.
Identifiers: ClinVar variation 5035544 (VCV005035544.1).
Genomic context (GRCh38, chrX:118,573,842, plus strand): 5'-AAATGTAACTGTTTTCATTCCCAGGTTGAGCCCTTTTTTATCAATCTTGCCTTATTTGAT[G>A]TAAAGAACAATTGTAAGATTTCAGCAGACTTTCATGTAGACCTGAATCCCCCATCTGTCC-3'
Protein context (NP_653259.3, residues 395-415): PFFINLALFD[Val405Ile]KNNCKISADF